The following is an entry in ClinVar:

NM_001364564.1(SALL2):c.1530G>C (p.Val510=)

Gene: SALL2 (spalt like transcription factor 2; minus strand). Cytogenetic location: 14q11.2.
Variant type: single nucleotide variant.
Coding change: c.1530G>C on transcript NM_001364564.1 (MANE Select); coding-DNA position 1530, G replaced by C.
Protein change: p.Val510=; no amino-acid change (valine 510 retained).
Molecular consequence: synonymous variant.
Genome position (GRCh38, 1-based): chr14:21,524,192, C>G on the plus strand (G>C on the coding strand, the complement: SALL2 is on the minus strand). VCF-style: chr14-21524192-C-G. GRCh37 (hg19) VCF-style: chr14-21992326-C-G.
Other names: c.1131G>C, p.Val377= (NM_001291446.2); c.1125G>C, p.Val375= (NM_001291447.2); c.1536G>C, p.Val512= (NM_005407.3).
Identifiers: ClinVar variation 791637 (VCV000791637.9), dbSNP rs139561548, ClinGen allele CA7093654.

ClinVar aggregate classification (germline): Benign/Likely benign. Review status: criteria provided, multiple submitters, no conflicts (2 of 4 stars). 2 submissions from 2 submitters: Benign (1); Likely benign (1). Last evaluated 2026-07-16.

Conditions:
SALL2-related disorder. Also called: SALL2-related condition.

Allele frequency attached by ClinVar (database versions not stated): 1000 Genomes Project 30x 0.00031; 1000 Genomes Project 0.00040; gnomAD 0.00149 and 0.00150; TOPMed 0.00158; ESP Exome Variant Server 0.00161; ExAC 0.00185; gnomAD exomes 0.00211.
gnomAD v4.1: 2,389 of 1,612,196 alleles (0.15%); highest among the groups gnomAD compares: Middle Eastern, 0.36%; 12 homozygotes.

Submissions (2):

PreventionGenetics, part of Exact Sciences
Classification: Likely benign for SALL2-related condition. Last evaluated: 2026-07-16. Review status: criteria provided, single submitter. Criteria: ACMG Guidelines, 2015. Collection method: clinical testing. Allele origin: germline.
Comment: This variant is classified as likely benign based on ACMG/AMP sequence variant interpretation guidelines (Richards et al. 2015 PMID: 25741868, with internal and published modifications).

Labcorp Genetics (formerly Invitae), Labcorp
Classification: Benign. Last evaluated: 2025-12-29. Review status: criteria provided, single submitter. Criteria: Invitae Variant Classification Sherloc (09022015). Collection method: clinical testing. Allele origin: germline.